The following is an entry in ClinVar:

ClinVar aggregate classification (germline): Conflicting classifications of pathogenicity. Review status: criteria provided, conflicting classifications (1 of 4 stars). 4 submissions from 4 submitters: Uncertain significance (3); Likely benign (1). Last evaluated 2025-12-12.

Conditions:
Hereditary cancer-predisposing syndrome. Also called: Tumor predisposition; Hereditary Cancer Syndrome; Hereditary neoplastic syndrome; Neoplastic Syndromes, Hereditary. Identifiers: Orphanet 140162, MedGen C0027672, MeSH D009386, MONDO:0015356.
Hereditary nonpolyposis colorectal neoplasms. Identifiers: MedGen C0009405, MeSH D003123.
Lynch syndrome. Identifiers: Orphanet 144, MedGen C4552100, MONDO:0005835. Disease mechanism: loss of function.

Allele frequency attached by ClinVar (database versions not stated): TOPMed below 0.00001.

Submissions (4):

Labcorp Genetics (formerly Invitae), Labcorp
Classification: Likely benign for Hereditary nonpolyposis colorectal neoplasms. Last evaluated: 2025-12-12. Review status: criteria provided, single submitter. Criteria: Invitae Variant Classification Sherloc (09022015). Collection method: clinical testing. Allele origin: germline.

Color Diagnostics, LLC DBA Color Health
Classification: Uncertain significance for Hereditary cancer-predisposing syndrome. Last evaluated: 2025-06-17. Review status: criteria provided, single submitter. Criteria: ACMG Guidelines, 2015. Collection method: clinical testing. Allele origin: germline.
Comment: This variant causes a C to A nucleotide substitution at the +5 position of intron 5/9 of the MSH6 gene. To our knowledge, functional studies have not been reported for this variant. This variant has not been reported in individuals affected with MSH6-related disorders in the literature. This variant has not been identified in the general population by the Genome Aggregation Database (gnomAD). The available evidence is insufficient to determine the role of this variant in disease conclusively. Therefore, this variant is classified as a Variant of Uncertain Significance.

All of Us Research Program, National Institutes of Health
Classification: Uncertain significance for Lynch syndrome. Last evaluated: 2024-09-23. Review status: criteria provided, single submitter. Criteria: ACMG Guidelines, 2015. Collection method: clinical testing. Allele origin: germline. Inheritance: Autosomal dominant inheritance. Observed: 1 variant allele, 1 heterozygote.
Comment: This study involves interpretation of variants in research participants for the purpose of population health screening. Participant phenotype was not available at the time of variant classification. Additional details can be found in publication PMID: 35346344, PMCID: PMC8962531

Ambry Genetics
Classification: Uncertain significance for Hereditary cancer-predisposing syndrome. Last evaluated: 2024-05-27. Review status: criteria provided, single submitter. Criteria: Ambry Variant Classification Scheme 2023. Collection method: clinical testing. Allele origin: germline.
Comment: The c.3438+5C>A intronic variant results from a C to A substitution 5 nucleotides after coding exon 5 in the MSH6 gene. This nucleotide position is not well conserved in available vertebrate species. In silico splice site analysis predicts that this alteration will not have any significant effect on splicing. Based on the available evidence, the clinical significance of this variant remains unclear.

NM_000179.3(MSH6):c.3438+5C>A

Gene: MSH6 (mutS homolog 6; plus strand). Cytogenetic location: 2p16.3.
Variant type: single nucleotide variant.
Coding change: c.3438+5C>A on transcript NM_000179.3 (MANE Select); 5 bases into the intron after coding-DNA position 3438, C replaced by A.
Molecular consequence: intron variant.
Genome position (GRCh38, 1-based): chr2:47,803,690, C>A. VCF-style: chr2-47803690-C-A. GRCh37 (hg19) VCF-style: chr2-48030829-C-A.
Other names: c.2532+5C>A (NM_001281493.2, NM_001281494.2); c.3048+5C>A (NM_001281492.2).
Identifiers: ClinVar variation 486893 (VCV000486893.16), dbSNP rs777420424, ClinGen allele CA658655707.